The following is an entry in ClinVar:

ClinVar aggregate classification (germline): Uncertain significance. Review status: criteria provided, multiple submitters, no conflicts (2 of 4 stars). 2 submissions from 2 submitters: Uncertain significance (2). Last evaluated 2024-05-30.

Conditions:
Inborn genetic diseases. Identifiers: MedGen C0950123, MeSH D030342.

Allele frequency attached by ClinVar (database versions not stated): gnomAD 0.00002.
gnomAD v4.1: 74 of 1,515,358 alleles (0.0049%); highest among the groups gnomAD compares: Non-Finnish European, 0.0062%; no homozygotes.

Submissions (2):

Ambry Genetics
Classification: Uncertain significance for Inborn genetic diseases. Last evaluated: 2024-05-30. Review status: criteria provided, single submitter. Criteria: Ambry Variant Classification Scheme 2023. Collection method: clinical testing. Allele origin: germline.

Labcorp Genetics (formerly Invitae), Labcorp
Classification: Uncertain significance. Last evaluated: 2024-03-11. Review status: criteria provided, single submitter. Criteria: Invitae Variant Classification Sherloc (09022015). Collection method: clinical testing. Allele origin: germline.
Comment: This sequence change replaces histidine, which is basic and polar, with glutamine, which is neutral and polar, at codon 210 of the OBSL1 protein (p.His210Gln). This variant is not present in population databases (gnomAD no frequency). This variant has not been reported in the literature in individuals affected with OBSL1-related conditions. ClinVar contains an entry for this variant (Variation ID: 1901819). An algorithm developed to predict the effect of missense changes on protein structure and function (PolyPhen-2) suggests that this variant is likely to be disruptive. In summary, the available evidence is currently insufficient to determine the role of this variant in disease. Therefore, it has been classified as a Variant of Uncertain Significance.

NM_015311.3(OBSL1):c.630C>A (p.His210Gln)

Gene: OBSL1 (obscurin like cytoskeletal adaptor 1; minus strand). Cytogenetic location: 2q35.
Variant type: single nucleotide variant.
Coding change: c.630C>A on transcript NM_015311.3 (MANE Select); coding-DNA position 630, C replaced by A.
Protein change: p.His210Gln; replaces histidine 210 with glutamine.
Molecular consequence: missense variant.
Genome position (GRCh38, 1-based): chr2:219,570,603, G>T on the plus strand (C>A on the coding strand, the complement: OBSL1 is on the minus strand). VCF-style: chr2-219570603-G-T. GRCh37 (hg19) VCF-style: chr2-220435325-G-T.
Other names: c.630C>A, p.His210Gln (NM_001173408.2, NM_001173431.2); c.630C>A (NM_015311.2); short protein forms H210Q.
Identifiers: ClinVar variation 1901819 (VCV001901819.6), dbSNP rs973296901, ClinGen allele CA66038946.